The following is an entry in ClinVar:

ClinVar aggregate classification (germline): Uncertain significance (1 of 4 stars; one submission).

Allele frequency attached by ClinVar (database versions not stated): gnomAD exomes below 0.00001.
gnomAD v4.1: 2 of 1,613,264 alleles (0.00012%); highest among the groups gnomAD compares: Non-Finnish European, 0.000085%; no homozygotes.

Submission:

Labcorp Genetics (formerly Invitae), Labcorp
Classification: Uncertain significance. Last evaluated: 2022-05-09. Review status: criteria provided, single submitter. Criteria: Invitae Variant Classification Sherloc (09022015). Collection method: clinical testing. Allele origin: germline.
Comment: In summary, the available evidence is currently insufficient to determine the role of this variant in disease. Therefore, it has been classified as a Variant of Uncertain Significance. Algorithms developed to predict the effect of missense changes on protein structure and function (SIFT, PolyPhen-2, Align-GVGD) all suggest that this variant is likely to be tolerated. This variant has not been reported in the literature in individuals affected with ACO2-related conditions. This variant is not present in population databases (gnomAD no frequency). This sequence change replaces alanine, which is neutral and non-polar, with valine, which is neutral and non-polar, at codon 685 of the ACO2 protein (p.Ala685Val).

NM_001098.3(ACO2):c.2054C>T (p.Ala685Val)

Genes: ACO2 (aconitase 2; plus strand), POLR3H (RNA polymerase III subunit H; minus strand). Cytogenetic location: 22q13.2.
Variant type: single nucleotide variant.
Coding change: c.2054C>T on transcript NM_001098.3 (MANE Select); coding-DNA position 2054, C replaced by T.
Protein change: p.Ala685Val; replaces alanine 685 with valine.
Molecular consequence: missense variant. On other transcripts: 3 prime UTR variant (5).
Genome position (GRCh38, 1-based): chr22:41,527,388, C>T. VCF-style: chr22-41527388-C-T. GRCh37 (hg19) VCF-style: chr22-41923392-C-T.
Other names: c.*1895G>A (NM_001018050.4, NM_001018052.4, NM_001282884.2 and 2 more transcripts); short protein forms A685V.
Identifiers: ClinVar variation 2184437 (VCV002184437.4), dbSNP rs2518241033, ClinGen allele CA411729000.